The following is an entry in ClinVar:

ClinVar aggregate classification (germline): Uncertain significance (1 of 4 stars; one submission).

Submission:

Labcorp Genetics (formerly Invitae), Labcorp
Classification: Uncertain significance. Last evaluated: 2022-08-16. Review status: criteria provided, single submitter. Criteria: Invitae Variant Classification Sherloc (09022015). Collection method: clinical testing. Allele origin: germline.
Comment: In summary, the available evidence is currently insufficient to determine the role of this variant in disease. Therefore, it has been classified as a Variant of Uncertain Significance. Algorithms developed to predict the effect of missense changes on protein structure and function are either unavailable or do not agree on the potential impact of this missense change (SIFT: "Not Available"; PolyPhen-2: "Benign"; Align-GVGD: "Not Available"). ClinVar contains an entry for this variant (Variation ID: 1490669). This variant has not been reported in the literature in individuals affected with SLC9A3-related conditions. This variant is not present in population databases (gnomAD no frequency). This sequence change replaces arginine, which is basic and polar, with histidine, which is basic and polar, at codon 765 of the SLC9A3 protein (p.Arg765His).

NM_004174.4(SLC9A3):c.2294G>A (p.Arg765His)

Genes: SLC9A3 (solute carrier family 9 member A3), SLC9A3-AS1 (SLC9A3 antisense RNA 1; plus strand). Cytogenetic location: 5p15.33.
Variant type: single nucleotide variant.
Coding change: c.2294G>A on transcript NM_004174.4 (MANE Select); coding-DNA position 2294, G replaced by A.
Protein change: p.Arg765His; replaces arginine 765 with histidine.
Molecular consequence: missense variant.
Genome position (GRCh38, 1-based): chr5:475,090, C>T on the plus strand (G>A on the coding strand, the complement: SLC9A3 is on the minus strand). VCF-style: chr5-475090-C-T. GRCh37 (hg19) VCF-style: chr5-475205-C-T.
Other names: c.2267G>A, p.Arg756His (NM_001284351.3); short protein forms R756H, R765H.
Identifiers: ClinVar variation 1490669 (VCV001490669.8), dbSNP rs2126602716, ClinGen allele CA359023522.